The following is an entry in ClinVar:

ClinVar aggregate classification (germline): Pathogenic. Review status: criteria provided, multiple submitters, no conflicts (2 of 4 stars). 3 submissions from 3 submitters: Pathogenic (3). Last evaluated 2025-12-03.

Submissions (3):

Labcorp Genetics (formerly Invitae), Labcorp
Classification: Pathogenic. Last evaluated: 2025-12-03. Review status: criteria provided, single submitter. Criteria: Invitae Variant Classification Sherloc (09022015). Collection method: clinical testing. Allele origin: germline.
Comment: This sequence change creates a premature translational stop signal (p.Tyr133Cysfs*34) in the UROD gene. It is expected to result in an absent or disrupted protein product. Loss-of-function variants in UROD are known to be pathogenic (PMID: 1634232, 17240319, 19233912, 19419417, 23545314). This variant is not present in population databases (gnomAD no frequency). This premature translational stop signal has been observed in individual(s) with familial porphyria cutanea tarda (PMID: 10477430). ClinVar contains an entry for this variant (Variation ID: 3380963). For these reasons, this variant has been classified as Pathogenic.

GeneDx
Classification: Pathogenic. Last evaluated: 2025-05-08. Review status: criteria provided, single submitter. Criteria: GeneDx Variant Classification Process June 2021. Collection method: clinical testing. Allele origin: germline. Affected: yes.
Comment: Reported in a patient with porphyria cutanea tarda (PMID: 10477430); Frameshift variant predicted to result in protein truncation or nonsense mediated decay in a gene for which loss of function is a known mechanism of disease; Published functional studies demonstrate a damaging effect on enzyme activity (PMID: 10477430); Not observed at significant frequency in large population cohorts (gnomAD); This variant is associated with the following publications: (PMID: 36451132, 29625052, 26689913, 10477430)

Mayo Clinic Laboratories, Mayo Clinic
Classification: Pathogenic. Last evaluated: 2024-05-22. Review status: criteria provided, single submitter. Criteria: ACMG Guidelines, 2015. Collection method: clinical testing. Allele origin: germline. Observed: 1 variant allele.
Comment: PP4, PM2, PS3, PVS1

Literature cited by the submitters: PubMed 1634232 (cited by Labcorp Genetics (formerly Invitae), Labcorp); PubMed 17240319 (cited by Labcorp Genetics (formerly Invitae), Labcorp); PubMed 19233912 (cited by Labcorp Genetics (formerly Invitae), Labcorp); PubMed 19419417 (cited by Labcorp Genetics (formerly Invitae), Labcorp); PubMed 23545314 (cited by Labcorp Genetics (formerly Invitae), Labcorp); PubMed 10477430 (cited by Labcorp Genetics (formerly Invitae), Labcorp and Mayo Clinic Laboratories, Mayo Clinic).

NM_000374.5(UROD):c.398_399del (p.Tyr133fs)

Gene: UROD (uroporphyrinogen decarboxylase; plus strand). Cytogenetic location: 1p34.1.
Variant type: Deletion.
Coding change: c.398_399del on transcript NM_000374.5 (MANE Select); coding-DNA positions 398 to 399, 2 bases deleted (AT; older notation c.398_399delAT).
Protein change: p.Tyr133fs; shifts the reading frame from tyrosine 133.
Molecular consequence: frameshift variant. On other transcripts: non-coding transcript variant (3).
Genome position (GRCh38, 1-based): chr1:45,013,715-45,013,716, AT deleted; deleting any 2 consecutive bases within chr1:45,013,714-45,013,716 gives the same sequence; the c. name uses the placement nearest the transcript's 3' end. VCF-style (leftmost placement, unchanged base first): chr1-45013713-CTA-C. GRCh37 (hg19) VCF-style: chr1-45479385-CTA-C.
Other names: p.Tyr133Cysfs*34; c.398_399del (NM_000374.4); short protein forms Y133fs.
Identifiers: ClinVar variation 3380963 (VCV003380963.3).